The following is an entry in ClinVar:

NM_000059.4(BRCA2):c.6715G>T (p.Glu2239Ter)

Gene: BRCA2 (BRCA2 DNA repair associated; plus strand). Cytogenetic location: 13q13.1.
Variant type: single nucleotide variant.
Coding change: c.6715G>T on transcript NM_000059.4 (MANE Select); coding-DNA position 6715, G replaced by T.
Protein change: p.Glu2239Ter; replaces glutamic acid 2239 with a stop codon.
Molecular consequence: nonsense.
Genome position (GRCh38, 1-based): chr13:32,341,070, G>T. VCF-style: chr13-32341070-G-T. GRCh37 (hg19) VCF-style: chr13-32915207-G-T.
Other names: short protein forms E2239*.
Identifiers: ClinVar variation 52168 (VCV000052168.9), dbSNP rs276174876, ClinGen allele CA024321.

ClinVar aggregate classification (germline): Pathogenic. Review status: reviewed by expert panel (3 of 4 stars). 6 submissions from 6 submitters: Pathogenic (1). 5 of the submissions do not count toward it. Last evaluated 2016-09-08.

Conditions:
Hereditary cancer-predisposing syndrome. Also called: Neoplastic Syndromes, Hereditary; Tumor predisposition; Hereditary neoplastic syndrome; Hereditary Cancer Syndrome. Identifiers: Orphanet 140162, MedGen C0027672, MeSH D009386, MONDO:0015356.
Hereditary breast ovarian cancer syndrome. Also called: Hereditary breast and ovarian cancer syndrome; Hereditary breast and ovarian cancer; Hereditary breast and ovarian cancer syndrome (HBOC); Breast and ovarian cancer; Hereditary breast and/or ovarian cancer syndrome; BRCA1- and BRCA2-Associated Hereditary Breast and Ovarian Cancer. Identifiers: Orphanet 145, MedGen C0677776, MeSH D061325, MONDO:0003582. Disease mechanism: loss of function.
Familial cancer of breast. Also called: BREAST CANCER, FAMILIAL; Hereditary breast cancer; hereditary breast carcinoma. Identifiers: Orphanet 227535, MedGen C0346153, MONDO:0016419, OMIM 114480. Disease mechanism: loss of function.
Breast-ovarian cancer, familial, susceptibility to, 2 (BROVCA2). Also called: BRCA2 Hereditary Breast and Ovarian Cancer. Identifiers: Orphanet 145, MedGen C2675520, MONDO:0012933, OMIM 612555. Disease mechanism: loss of function.

Submissions (6):

Evidence-based Network for the Interpretation of Germline Mutant Alleles (ENIGMA)
Classification: Pathogenic for Breast-ovarian cancer, familial, susceptibility to, 2. Last evaluated: 2016-09-08. Review status: reviewed by expert panel. Criteria: ENIGMA BRCA1/2 Classification Criteria (2015). Collection method: curation. Allele origin: germline.
Comment: Variant allele predicted to encode a truncated non-functional protein.

Women's Health and Genetics/Laboratory Corporation of America, LabCorp
Classification: Pathogenic for Hereditary breast ovarian cancer syndrome. Last evaluated: 2024-10-29. Review status: criteria provided, single submitter. Criteria: LabCorp Variant Classification Summary - May 2015. Collection method: clinical testing. Allele origin: germline. Not counted in ClinVar's aggregate classification.
Comment: Variant summary: BRCA2 c.6715G>T (p.Glu2239X) results in a premature termination codon, predicted to cause a truncation of the encoded protein or absence of the protein due to nonsense mediated decay, which are commonly known mechanisms for disease. The variant was absent in 251342 control chromosomes. c.6715G>T has been reported in the literature in individuals affected with Breast Cancer (e.g. Thirthagiri_2008). To our knowledge, no experimental evidence demonstrating an impact on protein function has been reported. The following publication has been ascertained in the context of this evaluation (PMID: 18627636). ClinVar contains an entry for this variant (Variation ID: 52168). Based on the evidence outlined above, the variant was classified as pathogenic.

Baylor Genetics
Classification: Pathogenic for Familial cancer of breast. Last evaluated: 2022-06-03. Review status: criteria provided, single submitter. Criteria: ACMG Guidelines, 2015. Collection method: clinical testing. Allele origin: unknown. Not counted in ClinVar's aggregate classification.

Ambry Genetics
Classification: Pathogenic for Hereditary cancer-predisposing syndrome. Last evaluated: 2022-04-05. Review status: criteria provided, single submitter. Criteria: Ambry Variant Classification Scheme 2023. Collection method: clinical testing. Allele origin: germline. Not counted in ClinVar's aggregate classification.
Comment: The p.E2239* pathogenic mutation (also known as c.6715G>T), located in coding exon 10 of the BRCA2 gene, results from a G to T substitution at nucleotide position 6715. This changes the amino acid from a glutamic acid to a stop codon within coding exon 10. This alteration is expected to result in loss of function by premature protein truncation or nonsense-mediated mRNA decay. As such, this alteration is interpreted as a disease-causing mutation. This variant is considered to be rare based on population cohorts in the Genome Aggregation Database (gnomAD). In addition to the clinical data presented in the literature, this alteration is expected to result in loss of function by premature protein truncation or nonsense-mediated mRNA decay. As such, this alteration is interpreted as a disease-causing mutation.

Consortium of Investigators of Modifiers of BRCA1/2 (CIMBA), c/o University of Cambridge
Classification: Pathogenic for Breast-ovarian cancer, familial, susceptibility to, 2. Last evaluated: 2015-10-02. Review status: criteria provided, single submitter. Criteria: CIMBA Mutation Classification guidelines May 2016. Collection method: clinical testing. Allele origin: germline. Not counted in ClinVar's aggregate classification.

Breast Cancer Information Core (BIC) (BRCA2)
Classification: Pathogenic for Breast-ovarian cancer, familial 2. Last evaluated: 2010-09-18. Review status: no assertion criteria provided. Collection method: clinical testing. Allele origin: germline. Affected: yes. Observed: 1 variant allele. Not counted in ClinVar's aggregate classification.

Literature cited by the submitters: PubMed 18627636 (cited by Women's Health and Genetics/Laboratory Corporation of America, LabCorp and Ambry Genetics).